The following is an entry in ClinVar:

ClinVar aggregate classification (germline): Likely benign (1 of 4 stars; one submission).

Conditions:
Tooth agenesis, selective, 3 (STHAG3). Also called: HYPODONTIA/OLIGODONTIA 3. Identifiers: Orphanet 99798, MedGen C1970291, MONDO:0011477, OMIM 604625. Disease mechanism: loss of function.

Allele frequency attached by ClinVar (database versions not stated): TOPMed 0.00016; 1000 Genomes Project 0.00399; gnomAD 0.00001 and 0.00079; 1000 Genomes Project 30x 0.00484.

Submission:

Illumina Laboratory Services, Illumina
Classification: Likely benign for Tooth agenesis, selective, 3. Last evaluated: 2018-01-13. Review status: criteria provided, single submitter. Criteria: ICSL Variant Classification Criteria 13 December 2019. Collection method: clinical testing. Allele origin: germline.
Comment: This variant was observed in the ICSL laboratory as part of a predisposition screen in an ostensibly healthy population. It had not been previously curated by ICSL or reported in the Human Gene Mutation Database (HGMD: prior to June 1st, 2018), and was therefore a candidate for classification through an automated scoring system. Utilizing variant allele frequency, disease prevalence and penetrance estimates, and inheritance mode, an automated score was calculated to assess if this variant is too frequent to cause the disease. Based on the score and internal cut-off values, a variant classified as likely benign is not then subjected to further curation. The score for this variant resulted in a classification of likely benign for this disease.

NM_006194.4(PAX9):c.-656C>G

Gene: PAX9 (paired box 9; plus strand). Cytogenetic location: 14q13.3.
Variant type: single nucleotide variant.
Coding change: c.-656C>G on transcript NM_006194.4; 656 bases upstream of the start codon, C replaced by G.
Molecular consequence: 5 prime UTR variant.
Genome position (GRCh38, 1-based): chr14:36,657,638, C>G. VCF-style: chr14-36657638-C-G. GRCh37 (hg19) VCF-style: chr14-37126843-C-G.
Identifiers: ClinVar variation 313151 (VCV000313151.7), dbSNP rs374248332, ClinGen allele CA10634846.
Genomic context (GRCh38, chr14:36,657,638, plus strand): 5'-CTCTCGCAAGGAGAAAGCGGGCGACGAGCGCTCGCAGCCCGTGGGGCTGATCCCACCTCC[C>G]GCAGGGCTCCGGTCGTGTCGCTGTCGGACCGCAGAACGCCGGGACGCATTTCCGAGCTCG-3'